The following is an entry in ClinVar:

ClinVar aggregate classification (germline): Uncertain significance (1 of 4 stars; one submission).

Submission:

ARUP Laboratories, Molecular Genetics and Genomics, ARUP Laboratories
Classification: Uncertain significance. Last evaluated: 2025-01-31. Review status: criteria provided, single submitter. Criteria: ARUP Molecular Germline Variant Investigation Process 2024. Collection method: clinical testing. Allele origin: germline.
Comment: The FBN1 c.3839A>G; p.Asp1280Gly variant, to our knowledge, is not reported in the medical literature or gene specific databases. This variant is also absent from the Genome Aggregation Database (v2.1.1), indicating it is not a common polymorphism. Additionally, another amino acid substitution at this codon (c.3838G>A; p.Asp1280Asn) has been reported in individuals with Marfan syndrome (Groth 2017, Madar 2019) and non-syndromic thoracic aortic aneurysm and dissection (Yang 2023). Computational analyses predict that the c.3839A>G; p.Asp1280Gly variant is deleterious (REVEL: 0.982). This variant disrupts an amino acid in the EGF consensus sequence of a calcium-binding EGF-like domain. However, given the lack of clinical and functional data, the significance of this variant is uncertain at this time. References: Groth KA. Evaluating the quality of Marfan genotype-phenotype correlations in existing FBN1 databases. Genet Med. 2017 Jul;19(7):772-777. PMID: 27906200. Madar L et al. FBN1 gene mutations in 26 Hungarian patients with suspected Marfan syndrome or related fibrillinopathies. J Biotechnol. 2019 Aug 10;301:105-111. PMID: 31163209. Yang H et al. Molecular characterization and clinical investigation of patients with heritable thoracic aortic aneurysm and dissection. J Thorac Cardiovasc Surg. 2023 Dec;166(6):1594-1603.e5. PMID: 36517271.

NM_000138.5(FBN1):c.3839A>G (p.Asp1280Gly)

Gene: FBN1 (fibrillin 1; minus strand). Cytogenetic location: 15q21.1.
Variant type: single nucleotide variant.
Coding change: c.3839A>G on transcript NM_000138.5 (MANE Select); coding-DNA position 3839, A replaced by G.
Protein change: p.Asp1280Gly; replaces aspartic acid 1280 with glycine.
Molecular consequence: missense variant.
Genome position (GRCh38, 1-based): chr15:48,481,780, T>C on the plus strand (A>G on the coding strand, the complement: FBN1 is on the minus strand). VCF-style: chr15-48481780-T-C. GRCh37 (hg19) VCF-style: chr15-48773977-T-C.
Other names: c.3839A>G, p.Asp1280Gly (NM_001406716.1); short protein forms D1280G.
Identifiers: ClinVar variation 4685602 (VCV004685602.1).
Genomic context (GRCh38, chr15:48,481,780, plus strand): 5'-TTCGTGTTTTCACAGGTCCCACTTAGGCAGATATTTGGATTCAGGTCACACTCATTGACA[T>C]CTGTAAAACATATATACTATTAATATATGTAGCTATTTGATATCATTGAGTACTTTCCCC-3'
Protein context (NP_000129.3, residues 1270-1290): MASEDMKTCV[Asp1280Gly]VNECDLNPNI